The following is an entry in ClinVar:

ClinVar aggregate classification (germline): Conflicting classifications of pathogenicity. Review status: criteria provided, conflicting classifications (1 of 4 stars). 7 submissions from 7 submitters: Uncertain significance (1); Likely benign (5). 1 of the submissions does not count toward it. Last evaluated 2025-12-22.

Conditions:
Nail-patella syndrome (NPS). Also called: TURNER-KIESER SYNDROME; FONG DISEASE; ONYCHOOSTEODYSPLASIA. Identifiers: Orphanet 2614, MedGen C0027341, MONDO:0008061, OMIM 161200.
Nail-patella-like renal disease. Also called: GLOMERULAR BASEMENT MEMBRANE DISEASE, NAIL-PATELLA SYNDROME TYPE; Focal Segmental Glomerulosclerosis 10. Identifiers: Orphanet 2613, MedGen C0403548, MONDO:0009724, OMIM 256020.
LMX1B-related disorder. Also called: LMX1B-related condition.

Allele frequency attached by ClinVar (database versions not stated): 1000 Genomes Project 30x 0.00016; TOPMed 0.00019; 1000 Genomes Project 0.00020; ESP Exome Variant Server 0.00038.
gnomAD v4.1: 492 of 1,613,154 alleles (0.03%); highest among the groups gnomAD compares: Non-Finnish European, 0.04%; 1 homozygote.

Submissions (7):

Labcorp Genetics (formerly Invitae), Labcorp
Classification: Likely benign. Last evaluated: 2025-12-22. Review status: criteria provided, single submitter. Criteria: Invitae Variant Classification Sherloc (09022015). Collection method: clinical testing. Allele origin: germline.

GeneDx
Classification: Uncertain significance. Last evaluated: 2025-04-23. Review status: criteria provided, single submitter. Criteria: GeneDx Variant Classification Process June 2021. Collection method: clinical testing. Allele origin: germline. Affected: yes.
Comment: Has not been previously published as pathogenic or benign to our knowledge; In silico analysis suggests this variant may impact gene splicing. In the absence of RNA/functional studies, the actual effect of this sequence change is unknown.

Mayo Clinic Laboratories, Mayo Clinic
Classification: Likely benign. Last evaluated: 2025-02-03. Review status: criteria provided, single submitter. Criteria: ACMG Guidelines, 2015. Collection method: clinical testing. Allele origin: germline. Observed: 1 variant allele.
Comment: BS1, BP4, BP7

Blueprint Genetics
Classification: Likely benign. Last evaluated: 2024-10-28. Review status: criteria provided, single submitter. Criteria: ACMG Guidelines, 2015. Collection method: clinical testing. Allele origin: germline.

Fulgent Genetics
Classification: Likely benign for Nail-patella syndrome; Nail-patella-like renal disease. Last evaluated: 2021-12-20. Review status: criteria provided, single submitter. Criteria: ACMG Guidelines, 2015. Collection method: clinical testing. Allele origin: unknown.

Illumina Laboratory Services, Illumina
Classification: Likely benign for Nail-patella syndrome. Last evaluated: 2018-01-13. Review status: criteria provided, single submitter. Criteria: ICSL Variant Classification Criteria 13 December 2019. Collection method: clinical testing. Allele origin: germline.
Comment: This variant was observed in the ICSL laboratory as part of a predisposition screen in an ostensibly healthy population. It had not been previously curated by ICSL or reported in the Human Gene Mutation Database (HGMD: prior to June 1st, 2018), and was therefore a candidate for classification through an automated scoring system. Utilizing variant allele frequency, disease prevalence and penetrance estimates, and inheritance mode, an automated score was calculated to assess if this variant is too frequent to cause the disease. Based on the score and internal cut-off values, a variant classified as likely benign is not then subjected to further curation. The score for this variant resulted in a classification of likely benign for this disease.

PreventionGenetics, part of Exact Sciences
Classification: Likely benign for LMX1B-related condition. Last evaluated: 2019-11-06. Review status: no assertion criteria provided. Collection method: clinical testing. Allele origin: germline. Not counted in ClinVar's aggregate classification.
Comment: This variant is classified as likely benign based on ACMG/AMP sequence variant interpretation guidelines (Richards et al. 2015 PMID: 25741868, with internal and published modifications).

NM_001174147.2(LMX1B):c.933G>T (p.Pro311=)

Gene: LMX1B (LIM homeobox transcription factor 1 beta; plus strand). Cytogenetic location: 9q33.3.
Variant type: single nucleotide variant.
Coding change: c.933G>T on transcript NM_001174147.2 (MANE Select); coding-DNA position 933, G replaced by T.
Protein change: p.Pro311=; no amino-acid change (proline 311 retained).
Molecular consequence: synonymous variant.
Genome position (GRCh38, 1-based): chr9:126,695,885, G>T. VCF-style: chr9-126695885-G-T. GRCh37 (hg19) VCF-style: chr9-129458164-G-T.
Other names: p.Pro311=; c.966G>T, p.Pro322= (NM_001174146.2); c.933G>T, p.Pro311= (NM_002316.4).
Identifiers: ClinVar variation 912633 (VCV000912633.18), dbSNP rs145052881, ClinGen allele CA5242488.
Genomic context (GRCh38, chr9:126,695,885, plus strand): 5'-CACTGTGCCCCCAGAGGTCCTGTCCAGCCGCATGGAGGGCATGATGGCTTCCTACACGCC[G>T]CTGGCCCCACCACAGCAGCAGATCGTGGCCATGGAACAGAGCCCCTACGGCAGCAGCGAC-3'
Protein context (NP_001167618.1, residues 301-321): RMEGMMASYT[Pro311=]LAPPQQQIVA